The following is an entry in ClinVar:

NM_152703.5(SAMD9L):c.3678A>C (p.Lys1226Asn)

Gene: SAMD9L (sterile alpha motif domain containing 9 like; minus strand). Cytogenetic location: 7q21.2.
Variant type: single nucleotide variant.
Coding change: c.3678A>C on transcript NM_152703.5 (MANE Select); coding-DNA position 3678, A replaced by C.
Protein change: p.Lys1226Asn; replaces lysine 1226 with asparagine.
Molecular consequence: missense variant.
Genome position (GRCh38, 1-based): chr7:93,132,294, T>G on the plus strand (A>C on the coding strand, the complement: SAMD9L is on the minus strand). VCF-style: chr7-93132294-T-G. GRCh37 (hg19) VCF-style: chr7-92761607-T-G.
Other names: c.3678A>C, p.Lys1226Asn (NM_001303496.3, NM_001303497.3, NM_001303498.3 and 5 more transcripts); c.3678A>C (NM_152703.2); short protein forms K1226N.
Identifiers: ClinVar variation 2035421 (VCV002035421.6), dbSNP rs1303751679, ClinGen allele CA368180618.

ClinVar aggregate classification (germline): Uncertain significance. Review status: criteria provided, multiple submitters, no conflicts (2 of 4 stars). 2 submissions from 2 submitters: Uncertain significance (2). Last evaluated 2025-08-12.

Conditions:
Inborn genetic diseases. Identifiers: MedGen C0950123, MeSH D030342.

gnomAD v4.1: 1 of 1,613,674 alleles (0.000062%); highest among the groups gnomAD compares: Admixed American, 0.0017%; no homozygotes.

Submissions (2):

Ambry Genetics
Classification: Uncertain significance for Inborn genetic diseases. Last evaluated: 2025-08-12. Review status: criteria provided, single submitter. Criteria: Ambry Variant Classification Scheme 2023. Collection method: clinical testing. Allele origin: germline.

Labcorp Genetics (formerly Invitae), Labcorp
Classification: Uncertain significance. Last evaluated: 2022-06-22. Review status: criteria provided, single submitter. Criteria: Invitae Variant Classification Sherloc (09022015). Collection method: clinical testing. Allele origin: germline.
Comment: This sequence change replaces lysine, which is basic and polar, with asparagine, which is neutral and polar, at codon 1226 of the SAMD9L protein (p.Lys1226Asn). This variant is present in population databases (no rsID available, gnomAD 0.003%). This variant has not been reported in the literature in individuals affected with SAMD9L-related conditions. Algorithms developed to predict the effect of missense changes on protein structure and function output the following: SIFT: "Not Available"; PolyPhen-2: "Benign"; Align-GVGD: "Not Available". The asparagine amino acid residue is found in multiple mammalian species, which suggests that this missense change does not adversely affect protein function. In summary, the available evidence is currently insufficient to determine the role of this variant in disease. Therefore, it has been classified as a Variant of Uncertain Significance.